The following is an entry in ClinVar:

NM_018417.6(ADCY10):c.661C>A (p.Pro221Thr)

Genes: ADCY10 (adenylate cyclase 10; minus strand), DCAF6 (DDB1 and CUL4 associated factor 6; plus strand). Cytogenetic location: 1q24.2.
Variant type: single nucleotide variant.
Coding change: c.661C>A on transcript NM_018417.6 (MANE Select); coding-DNA position 661, C replaced by A.
Protein change: p.Pro221Thr; replaces proline 221 with threonine.
Molecular consequence: missense variant.
Genome position (GRCh38, 1-based): chr1:167,896,673, G>T on the plus strand (C>A on the coding strand, the complement: ADCY10 is on the minus strand). VCF-style: chr1-167896673-G-T. GRCh37 (hg19) VCF-style: chr1-167865911-G-T.
Other names: c.661C>A (NM_018417.4); c.202C>A, p.Pro68Thr (NM_001167749.3); c.385C>A, p.Pro129Thr (NM_001297772.2); short protein forms P221T, P68T, P129T.
Identifiers: ClinVar variation 3705132 (VCV003705132.3).
Genomic context (GRCh38, chr1:167,896,673, plus strand): 5'-GATAATAATGCATGAAGGTCGTACACTTTGTGAAAAATTCATCAAAATTAAAATTGGGGG[G>T]TGGTTTTAAGAAGTTAACCTAAATAAAAGCAAATGAGAAGTTTTCAGTTATTCTGAGAAC-3'
Protein context (NP_060887.2, residues 211-231): RAVKVNFLKP[Pro221Thr]PNFNFDEFFT

ClinVar aggregate classification (germline): Uncertain significance. Review status: criteria provided, multiple submitters, no conflicts (2 of 4 stars). 2 submissions from 2 submitters: Uncertain significance (2). Last evaluated 2025-06-23.

gnomAD v4.1: 10 of 1,611,702 alleles (0.00062%); highest among the groups gnomAD compares: Admixed American, 0.0017%; no homozygotes.

Submissions (2):

Ambry Genetics
Classification: Uncertain significance. Last evaluated: 2025-06-23. Review status: criteria provided, single submitter. Criteria: Ambry Variant Classification Scheme 2023. Collection method: clinical testing. Allele origin: germline.

Labcorp Genetics (formerly Invitae), Labcorp
Classification: Uncertain significance. Last evaluated: 2024-08-06. Review status: criteria provided, single submitter. Criteria: Invitae Variant Classification Sherloc (09022015). Collection method: clinical testing. Allele origin: germline.
Comment: This sequence change replaces proline, which is neutral and non-polar, with threonine, which is neutral and polar, at codon 221 of the ADCY10 protein (p.Pro221Thr). This variant is present in population databases (rs766496972, gnomAD 0.003%). This variant has not been reported in the literature in individuals affected with ADCY10-related conditions. An algorithm developed to predict the effect of missense changes on protein structure and function (PolyPhen-2) suggests that this variant is likely to be disruptive. In summary, the available evidence is currently insufficient to determine the role of this variant in disease. Therefore, it has been classified as a Variant of Uncertain Significance.